The following is an entry in ClinVar:

NM_000061.3(BTK):c.1537del (p.Glu513fs)

Gene: BTK (Bruton tyrosine kinase; minus strand). Cytogenetic location: Xq22.1.
Variant type: Deletion.
Coding change: c.1537del on transcript NM_000061.3 (MANE Select); coding-DNA position 1537, one base deleted (G; older notation c.1537delG).
Protein change: p.Glu513fs; shifts the reading frame from glutamic acid 513.
Molecular consequence: frameshift variant. On other transcripts: intron variant (1).
Genome position (GRCh38, 1-based): chrX:101,356,081, C deleted on the plus strand (G on the coding strand, the reverse complement: BTK is on the minus strand); the first of 2 consecutive C bases (chrX:101,356,081-101,356,082); deleting either gives the same sequence. VCF-style (leftmost placement, unchanged base first): chrX-101356080-TC-T. GRCh37 (hg19) VCF-style: chrX-100611068-TC-T.
Other names: c.1639del, p.Glu547fs (NM_001287344.2); c.1039-1387del (NM_001287345.2); short protein forms E513fs, E547fs.
Identifiers: ClinVar variation 2030855 (VCV002030855.4), dbSNP rs2520551638, ClinGen allele CA2579663611.

ClinVar aggregate classification (germline): Pathogenic (1 of 4 stars; one submission).

Conditions:
X-linked agammaglobulinemia with growth hormone deficiency (IGHD3). Also called: AGAMMAGLOBULINEMIA AND ISOLATED GROWTH HORMONE DEFICIENCY, X-LINKED; FLEISHER SYNDROME; ISOLATED GROWTH HORMONE DEFICIENCY, TYPE III, WITH AGAMMAGLOBULINEMIA; HYPOGAMMAGLOBULINEMIA AND ISOLATED GROWTH HORMONE DEFICIENCY, X-LINKED; IGHD III; Isolated growth hormone deficiency type 3. Identifiers: Orphanet 231692, Orphanet 631, MedGen C0472813, MONDO:0010615, OMIM 307200.

Submission:

Labcorp Genetics (formerly Invitae), Labcorp
Classification: Pathogenic for X-linked agammaglobulinemia with growth hormone deficiency. Last evaluated: 2022-09-24. Review status: criteria provided, single submitter. Criteria: Invitae Variant Classification Sherloc (09022015). Collection method: clinical testing. Allele origin: germline.
Comment: This sequence change creates a premature translational stop signal (p.Glu513Serfs*17) in the BTK gene. It is expected to result in an absent or disrupted protein product. Loss-of-function variants in BTK are known to be pathogenic (PMID: 15661032, 16862044, 19419768). This variant is not present in population databases (gnomAD no frequency). This variant has not been reported in the literature in individuals affected with BTK-related conditions. For these reasons, this variant has been classified as Pathogenic.

Literature cited by the submitters: PubMed 15661032; PubMed 16862044; PubMed 19419768.